The following is an entry in ClinVar:

NM_017671.4(FERMT1):c.-366C>G

Gene: FERMT1 (FERM domain containing kindlin 1; minus strand). Cytogenetic location: 20p12.3.
Variant type: single nucleotide variant.
Coding change: c.-366C>G on transcript NM_017671.4; 366 bases upstream of the start codon, C replaced by G.
Genome position (GRCh38, 1-based): chr20:6,123,121, G>C on the plus strand (C>G on the coding strand, the complement: FERMT1 is on the minus strand). VCF-style: chr20-6123121-G-C. GRCh37 (hg19) VCF-style: chr20-6103768-G-C.
Identifiers: ClinVar variation 339249 (VCV000339249.8), dbSNP rs2281533, ClinGen allele CA10644345.

ClinVar aggregate classification (germline): Benign. Review status: criteria provided, multiple submitters, no conflicts (2 of 4 stars). 2 submissions from 2 submitters: Benign (2). Last evaluated 2018-01-13.

Conditions:
Kindler syndrome (KNDLRS). Also called: Poikiloderma of Kindler; Congenital bullous poikiloderma; POIKILODERMA, CONGENITAL, WITH BULLAE, WEARY TYPE; POIKILODERMA, HEREDITARY ACROKERATOTIC; BULLOUS ACROKERATOTIC POIKILODERMA OF KINDLER AND WEARY; Kindler's syndrome. Identifiers: Orphanet 2908, Orphanet 306539, MedGen C0406557, MONDO:0008260, OMIM 173650.

Allele frequency attached by ClinVar (database versions not stated): gnomAD 0.05984; 1000 Genomes Project 30x 0.08463; gnomAD exomes 0.01485; TOPMed 0.06411; 1000 Genomes Project 0.08686.

Submissions (2):

Illumina Laboratory Services, Illumina
Classification: Benign for Kindler syndrome. Last evaluated: 2018-01-13. Review status: criteria provided, single submitter. Criteria: ICSL Variant Classification Criteria 13 December 2019. Collection method: clinical testing. Allele origin: germline.
Comment: This variant was observed in the ICSL laboratory as part of a predisposition screen in an ostensibly healthy population. It had not been previously curated by ICSL or reported in the Human Gene Mutation Database (HGMD: prior to June 1st, 2018), and was therefore a candidate for classification through an automated scoring system. Utilizing variant allele frequency, disease prevalence and penetrance estimates, and inheritance mode, an automated score was calculated to assess if this variant is too frequent to cause the disease. Based on the score and internal cut-off values, a variant classified as benign is not then subjected to further curation. The score for this variant resulted in a classification of benign for this disease.

Breakthrough Genomics
Classification: Benign. Review status: criteria provided, single submitter. Criteria: ACMG Guidelines, 2015. Collection method: not provided. Allele origin: germline. Inheritance: Autosomal recessive inheritance. Affected: yes.